The following is an entry in ClinVar:

ClinVar aggregate classification (germline): Uncertain significance (1 of 4 stars; one submission).

gnomAD v4.1: 1 of 1,612,900 alleles (0.000062%); highest among the groups gnomAD compares: South Asian, 0.0011%; no homozygotes.

Submission:

GeneDx
Classification: Uncertain significance. Last evaluated: 2022-07-15. Review status: criteria provided, single submitter. Criteria: GeneDx Variant Classification Process June 2021. Collection method: clinical testing. Allele origin: germline. Affected: yes.
Comment: Not observed at significant frequency in large population cohorts (gnomAD); In silico analysis supports that this missense variant does not alter protein structure/function; Has not been previously published as pathogenic or benign to our knowledge

NM_001429.4(EP300):c.2249G>C (p.Gly750Ala)

Gene: EP300 (E1A binding protein p300; plus strand). Cytogenetic location: 22q13.2.
Variant type: single nucleotide variant.
Coding change: c.2249G>C on transcript NM_001429.4 (MANE Select); coding-DNA position 2249, G replaced by C.
Protein change: p.Gly750Ala; replaces glycine 750 with alanine.
Molecular consequence: missense variant.
Genome position (GRCh38, 1-based): chr22:41,149,045, G>C. VCF-style: chr22-41149045-G-C. GRCh37 (hg19) VCF-style: chr22-41545049-G-C.
Other names: c.2171G>C, p.Gly724Ala (NM_001362843.2); short protein forms G724A, G750A.
Identifiers: ClinVar variation 1878745 (VCV001878745.1), dbSNP rs1433543827, ClinGen allele CA411690386.